The following is an entry in ClinVar:

ClinVar aggregate classification (germline): Uncertain significance (1 of 4 stars; one submission).

Conditions:
Inborn genetic diseases. Identifiers: MedGen C0950123, MeSH D030342.

Submission:

Ambry Genetics
Classification: Uncertain significance for Inborn genetic diseases. Last evaluated: 2026-05-18. Review status: criteria provided, single submitter. Criteria: Ambry Variant Classification Scheme 2023. Collection method: clinical testing. Allele origin: germline.
Comment: The p.A401T variant (also known as c.1201G>A), located in coding exon 8 of the MIB1 gene, results from a G to A substitution at nucleotide position 1201. The alanine at codon 401 is replaced by threonine, an amino acid with similar properties. This amino acid position is conserved. In addition, the in silico prediction for this alteration is inconclusive. Based on the available evidence, the clinical significance of this variant remains unclear.

NM_020774.4(MIB1):c.1201G>A (p.Ala401Thr)

Gene: MIB1 (MIB E3 ubiquitin protein ligase 1; plus strand). Cytogenetic location: 18q11.2.
Variant type: single nucleotide variant.
Coding change: c.1201G>A on transcript NM_020774.4 (MANE Select); coding-DNA position 1201, G replaced by A.
Protein change: p.Ala401Thr; replaces alanine 401 with threonine.
Molecular consequence: missense variant.
Genome position (GRCh38, 1-based): chr18:21,798,192, G>A. VCF-style: chr18-21798192-G-A. GRCh37 (hg19) VCF-style: chr18-19378153-G-A.
Other names: short protein forms A401T.
Identifiers: ClinVar variation 4860028 (VCV004860028.1).